The following is an entry in ClinVar:

NM_017636.4(TRPM4):c.1229A>G (p.Gln410Arg)

Gene: TRPM4 (transient receptor potential cation channel subfamily M member 4; plus strand). Cytogenetic location: 19q13.33.
Variant type: single nucleotide variant.
Coding change: c.1229A>G on transcript NM_017636.4 (MANE Select); coding-DNA position 1229, A replaced by G.
Protein change: p.Gln410Arg; replaces glutamine 410 with arginine.
Molecular consequence: missense variant. On other transcripts: 5 prime UTR variant (1), intron variant (1).
Genome position (GRCh38, 1-based): chr19:49,181,427, A>G. VCF-style: chr19-49181427-A-G. GRCh37 (hg19) VCF-style: chr19-49684684-A-G.
Other names: c.1229A>G, p.Gln410Arg (NM_001195227.2); c.884A>G, p.Gln295Arg (NM_001321281.2); c.-325A>G (NM_001321282.2); c.707A>G, p.Gln236Arg (NM_001321283.2); c.202-1151A>G (NM_001321285.2); short protein forms Q236R, Q410R, Q295R.
Identifiers: ClinVar variation 3329241 (VCV003329241.1).

ClinVar aggregate classification (germline): Uncertain significance (1 of 4 stars; one submission).

Conditions:
Cardiovascular phenotype. Identifiers: MedGen CN230736.

gnomAD v4.1: 1 of 1,613,728 alleles (0.000062%); highest among the groups gnomAD compares: South Asian, 0.0011%; no homozygotes.

Submission:

Ambry Genetics
Classification: Uncertain significance for Cardiovascular phenotype. Last evaluated: 2024-04-28. Review status: criteria provided, single submitter. Criteria: Ambry Variant Classification Scheme 2023. Collection method: clinical testing. Allele origin: germline.
Comment: The p.Q410R variant (also known as c.1229A>G), located in coding exon 10 of the TRPM4 gene, results from an A to G substitution at nucleotide position 1229. The glutamine at codon 410 is replaced by arginine, an amino acid with highly similar properties. This amino acid position is conserved. In addition, this alteration is predicted to be tolerated by in silico analysis. Based on the available evidence, the clinical significance of this variant remains unclear.